The following is an entry in ClinVar:

ClinVar aggregate classification (germline): Pathogenic (1 of 4 stars; one submission).

Conditions:
Multiple endocrine neoplasia, type 2 (MEN2). Identifiers: Orphanet 653, MedGen C4048306, MONDO:0019003. Disease mechanism: gain of function.

Submission:

Labcorp Genetics (formerly Invitae), Labcorp
Classification: Pathogenic for Multiple endocrine neoplasia, type 2. Last evaluated: 2022-07-06. Review status: criteria provided, single submitter. Criteria: Invitae Variant Classification Sherloc (09022015). Collection method: clinical testing. Allele origin: germline.
Comment: This variant is not present in population databases (gnomAD no frequency). For these reasons, this variant has been classified as Pathogenic. ClinVar contains an entry for this variant (Variation ID: 1406541). This variant has not been reported in the literature in individuals affected with RET-related conditions. This sequence change creates a premature translational stop signal (p.Tyr809*) in the RET gene. It is expected to result in an absent or disrupted protein product. Loss-of-function variants in RET are known to be pathogenic (PMID: 22174939, 22648184).

Literature cited by the submitters: PubMed 22174939; PubMed 22648184.

NM_020975.6(RET):c.2427C>A (p.Tyr809Ter)

Gene: RET (ret proto-oncogene; plus strand). Cytogenetic location: 10q11.21.
Variant type: single nucleotide variant.
Coding change: c.2427C>A on transcript NM_020975.6 (MANE Select); coding-DNA position 2427, C replaced by A.
Protein change: p.Tyr809Ter; replaces tyrosine 809 with a stop codon.
Molecular consequence: nonsense.
Genome position (GRCh38, 1-based): chr10:43,119,565, C>A. VCF-style: chr10-43119565-C-A. GRCh37 (hg19) VCF-style: chr10-43615013-C-A.
Other names: c.2427C>A, p.Tyr809Ter (NM_000323.2, NM_001406743.1, NM_001406744.1 and 4 more transcripts); c.1665C>A, p.Tyr555Ter (NM_001355216.2); c.2298C>A, p.Tyr766Ter (NM_001406761.1, NM_001406762.1, NM_001406764.1); c.2292C>A, p.Tyr764Ter (NM_001406763.1, NM_001406765.1); c.2139C>A, p.Tyr713Ter (NM_001406766.1, NM_001406767.1, NM_001406770.1); c.2163C>A, p.Tyr721Ter (NM_001406768.1); c.2031C>A, p.Tyr677Ter (NM_001406769.1, NM_001406772.1); c.1989C>A, p.Tyr663Ter (NM_001406771.1, NM_001406773.1); and 10 more; short protein forms Y555*, Y809*, Y326*, Y465*, Y764*, Y766*, Y374*, Y467*.
Identifiers: ClinVar variation 1406541 (VCV001406541.7), dbSNP rs577929869, ClinGen allele CA376556117.